The following is an entry in ClinVar:

ClinVar aggregate classification (germline): Likely pathogenic (1 of 4 stars; one submission).

Conditions:
LAMA2-related muscular dystrophy (LAMA2-RD). Also called: Laminin alpha 2-related dystrophy. Identifiers: MedGen C5679788, MONDO:0100228.

Submission:

Myriad Genetics, Inc.
Classification: Likely pathogenic for LAMA2-related muscular dystrophy. Last evaluated: 2021-12-16. Review status: criteria provided, single submitter. Criteria: Myriad Autosomal Dominant, Autosomal Recessive and X-Linked Classification Criteria (2023). Collection method: clinical testing. Allele origin: unknown.
Comment: NM_000426.3(LAMA2):c.7489A>T(K2497*) is expected to be pathogenic in the context of muscular dystrophy, LAMA2-related. This variant is predicted to lead to an abnormal or absent protein product due to the creation of a premature termination codon in LAMA2, a gene where loss-of-function variants are known to be pathogenic. Please note: this variant was assessed in the context of healthy population screening.

NM_000426.4(LAMA2):c.7489A>T (p.Lys2497Ter)

Gene: LAMA2 (laminin subunit alpha 2; plus strand). Cytogenetic location: 6q22.33.
Variant type: single nucleotide variant.
Coding change: c.7489A>T on transcript NM_000426.4 (MANE Select); coding-DNA position 7489, A replaced by T.
Protein change: p.Lys2497Ter; replaces lysine 2497 with a stop codon.
Molecular consequence: nonsense.
Genome position (GRCh38, 1-based): chr6:129,478,730, A>T. VCF-style: chr6-129478730-A-T. GRCh37 (hg19) VCF-style: chr6-129799875-A-T.
Other names: c.7477A>T, p.Lys2493Ter (NM_001079823.2); short protein forms K2493*, K2497*.
Identifiers: ClinVar variation 1726347 (VCV001726347.3), dbSNP rs2114834489, ClinGen allele CA365626426.